The following is an entry in ClinVar:

NM_001244008.2(KIF1A):c.1710G>T (p.Glu570Asp)

Gene: KIF1A (kinesin family member 1A; minus strand). Cytogenetic location: 2q37.3.
Variant type: single nucleotide variant.
Coding change: c.1710G>T on transcript NM_001244008.2 (MANE Select); coding-DNA position 1710, G replaced by T.
Protein change: p.Glu570Asp; replaces glutamic acid 570 with aspartic acid.
Molecular consequence: missense variant.
Genome position (GRCh38, 1-based): chr2:240,765,768, C>A on the plus strand (G>T on the coding strand, the complement: KIF1A is on the minus strand). VCF-style: chr2-240765768-C-A. GRCh37 (hg19) VCF-style: chr2-241705185-C-A.
Other names: c.1710G>T, p.Glu570Asp (NM_001320705.2, NM_001330289.2, NM_001379638.1); c.1785G>T, p.Glu595Asp (NM_001330290.2, NM_001379646.1, NM_001379631.1 and 2 more transcripts); c.1758G>T, p.Glu586Asp (NM_001379637.1, NM_001379648.1); c.1683G>T, p.Glu561Asp (NM_001379639.1, NM_001379640.1, NM_001379641.1 and 10 more transcripts); short protein forms E561D, E570D, E586D, E595D.
Identifiers: ClinVar variation 4885339 (VCV004885339.2).

ClinVar aggregate classification (germline): Uncertain significance (1 of 4 stars; one submission).

Submission:

Dasa
Classification: Uncertain significance. Last evaluated: 2026-02-24. Review status: criteria provided, single submitter. Criteria: DASA Assertion Criteria. Collection method: clinical testing. Allele origin: germline.
Comment: NM_001244008.2(KIF1A):c.1710G>T (p.Glu570Asp) is a missense variant that results in the substitution of glutamic acid with aspartic acid. This variant is absent from population databases. The currently available literature and clinical evidence are not sufficient to establish a definitive association between this variant and the reported condition. Therefore, this variant is classified as a variant of uncertain significance.